The following is an entry in ClinVar:

ClinVar aggregate classification (germline): Uncertain significance (1 of 4 stars; one submission).

Submission:

Labcorp Genetics (formerly Invitae), Labcorp
Classification: Uncertain significance. Last evaluated: 2022-07-31. Review status: criteria provided, single submitter. Criteria: Invitae Variant Classification Sherloc (09022015). Collection method: clinical testing. Allele origin: germline.
Comment: This variant is not present in population databases (gnomAD no frequency). This sequence change replaces leucine, which is neutral and non-polar, with serine, which is neutral and polar, at codon 356 of the FH protein (p.Leu356Ser). This variant has not been reported in the literature in individuals affected with FH-related conditions. Advanced modeling of protein sequence and biophysical properties (such as structural, functional, and spatial information, amino acid conservation, physicochemical variation, residue mobility, and thermodynamic stability) performed at Invitae indicates that this missense variant is expected to disrupt FH protein function. In summary, the available evidence is currently insufficient to determine the role of this variant in disease. Therefore, it has been classified as a Variant of Uncertain Significance.

NM_000143.4(FH):c.1067T>C (p.Leu356Ser)

Gene: FH (fumarate hydratase; minus strand). Cytogenetic location: 1q43.
Variant type: single nucleotide variant.
Coding change: c.1067T>C on transcript NM_000143.4 (MANE Select); coding-DNA position 1067, T replaced by C.
Protein change: p.Leu356Ser; replaces leucine 356 with serine.
Molecular consequence: missense variant.
Genome position (GRCh38, 1-based): chr1:241,504,083, A>G on the plus strand (T>C on the coding strand, the complement: FH is on the minus strand). VCF-style: chr1-241504083-A-G. GRCh37 (hg19) VCF-style: chr1-241667383-A-G.
Other names: short protein forms L356S.
Identifiers: ClinVar variation 2020895 (VCV002020895.4), dbSNP rs727503927, ClinGen allele CA345438072.